The following is an entry in ClinVar:

NM_000152.5(GAA):c.186_196dup (p.Arg66fs)

Gene: GAA (alpha glucosidase; plus strand). Cytogenetic location: 17q25.3.
Variant type: Duplication.
Coding change: c.186_196dup on transcript NM_000152.5 (MANE Select); coding-DNA positions 186 to 196, 11 bases duplicated (ACCAGGGCCCC).
Protein change: p.Arg66fs; shifts the reading frame from arginine 66.
Molecular consequence: frameshift variant.
Genome position (GRCh38, 1-based): chr17:80,104,772-80,104,782, ACCAGGGCCCC duplicated. VCF-style (leftmost placement, unchanged base first): chr17-80104771-G-GACCAGGGCCCC. GRCh37 (hg19) VCF-style: chr17-78078570-G-GACCAGGGCCCC.
Other names: c.186_196dup, p.Arg66fs (NM_001079803.3, NM_001079804.3, NM_001406741.1 and 1 more transcripts); short protein forms R66fs.
Identifiers: ClinVar variation 4876675 (VCV004876675.1).

ClinVar aggregate classification (germline): Pathogenic (1 of 4 stars; one submission).

Conditions:
Glycogen storage disease, type II (IOPD). Also called: Pompe Disease; CARDIOMEGALIA GLYCOGENICA DIFFUSA; GLYCOGENOSIS, GENERALIZED, CARDIAC FORM; GSD II; POMPE DISEASE, INFANTILE-ONSET; GLYCOGEN STORAGE DISEASE II, INFANTILE-ONSET. Identifiers: Orphanet 365, MedGen C0017921, MONDO:0009290, OMIM 232300.

Submission:

Genomenon, Inc
Classification: Pathogenic for Glycogen storage disease, type II. Last evaluated: 2026-07-01. Review status: criteria provided, single submitter. Criteria: Genomenon Sequence Variant Interpretation Standards - Updated. Collection method: curation. Allele origin: germline. Affected: yes.
Comment: GAA p.Arg66HisfsTer80 (c.186_196dup) is a frameshift variant that is predicted to introduce a premature termination codon and result in a truncated or absent protein product. This variant has been observed in at least one proband with a GAA-related disorder (PMID:32248831). It is absent or not present at a significant frequency in gnomAD. In conclusion, we classify GAA p.Arg66HisfsTer80 (c.186_196dup) as a pathogenic variant.

Literature cited by the submitters: PubMed 32248831.